The following is an entry in ClinVar:

ClinVar aggregate classification (germline): Conflicting classifications of pathogenicity. Review status: criteria provided, conflicting classifications (1 of 4 stars). 3 submissions from 3 submitters: Uncertain significance (1); Likely benign (1). 1 of the submissions does not count toward it. Last evaluated 2024-05-27.

Conditions:
Choanal atresia-athelia-hypothyroidism-delayed puberty-short stature syndrome (BCAHH). Also called: BRANCHIAL ARCH ABNORMALITIES, CHOANAL ATRESIA, ATHELIA, HEARING LOSS, AND HYPOTHYROIDISM SYNDROME. Identifiers: Orphanet 589856, MedGen C5680310, MONDO:0035651, OMIM 620186.
Kabuki syndrome 1 (KABUK1). Also called: KMT2D-Related Kabuki Syndrome. Identifiers: Orphanet 2322, MedGen CN030661, MONDO:0007843, OMIM 147920.
KMT2D-related disorder. Also called: KMT2D-Related Disorders.
Kabuki syndrome. Also called: NIIKAWA-KUROKI SYNDROME; Kabuki make-up syndrome. Identifiers: Orphanet 2322, MedGen C0796004, MONDO:0016512.

Allele frequency attached by ClinVar (database versions not stated): gnomAD exomes below 0.00001; TOPMed below 0.00001; ExAC 0.00001; gnomAD 0.00002.
gnomAD v4.1: 9 of 1,612,892 alleles (0.00056%); highest among the groups gnomAD compares: African/African-American, 0.0027%; no homozygotes.

Submissions (3):

Fulgent Genetics
Classification: Uncertain significance for Kabuki syndrome 1; Choanal atresia-athelia-hypothyroidism-delayed puberty-short stature syndrome. Last evaluated: 2024-05-27. Review status: criteria provided, single submitter. Criteria: ACMG Guidelines, 2015. Collection method: clinical testing. Allele origin: germline.

Labcorp Genetics (formerly Invitae), Labcorp
Classification: Likely benign for Kabuki syndrome. Last evaluated: 2023-10-16. Review status: criteria provided, single submitter. Criteria: Invitae Variant Classification Sherloc (09022015). Collection method: clinical testing. Allele origin: germline.

PreventionGenetics, part of Exact Sciences
Classification: Uncertain significance for KMT2D-related condition. Last evaluated: 2024-09-20. Review status: no assertion criteria provided. Collection method: clinical testing. Allele origin: germline. Not counted in ClinVar's aggregate classification.
Comment: The KMT2D c.13461C>G variant is predicted to result in the amino acid substitution p.Ile4487Met. To our knowledge, this variant has not been reported in the literature. This variant is reported in 0.00089% of alleles in individuals of European (Non-Finnish) descent in gnomAD. Although we suspect that this variant may be benign, at this time, the clinical significance of this variant is uncertain due to the absence of conclusive functional and genetic evidence.

NM_003482.4(KMT2D):c.13461C>G (p.Ile4487Met)

Gene: KMT2D (lysine methyltransferase 2D; minus strand). Cytogenetic location: 12q13.12.
Variant type: single nucleotide variant.
Coding change: c.13461C>G on transcript NM_003482.4 (MANE Select); coding-DNA position 13461, C replaced by G.
Protein change: p.Ile4487Met; replaces isoleucine 4487 with methionine.
Molecular consequence: missense variant.
Genome position (GRCh38, 1-based): chr12:49,031,244, G>C on the plus strand (C>G on the coding strand, the complement: KMT2D is on the minus strand). VCF-style: chr12-49031244-G-C. GRCh37 (hg19) VCF-style: chr12-49425027-G-C.
Other names: short protein forms I4487M.
Identifiers: ClinVar variation 3000262 (VCV003000262.5), dbSNP rs748431296, ClinGen allele CA6546019.